The following is an entry in ClinVar:

NM_005529.7(HSPG2):c.2539A>G (p.Thr847Ala)

Gene: HSPG2 (heparan sulfate proteoglycan 2; minus strand). Cytogenetic location: 1p36.12.
Variant type: single nucleotide variant.
Coding change: c.2539A>G on transcript NM_005529.7 (MANE Select); coding-DNA position 2539, A replaced by G.
Protein change: p.Thr847Ala; replaces threonine 847 with alanine.
Molecular consequence: missense variant.
Genome position (GRCh38, 1-based): chr1:21,878,596, T>C on the plus strand (A>G on the coding strand, the complement: HSPG2 is on the minus strand). VCF-style: chr1-21878596-T-C. GRCh37 (hg19) VCF-style: chr1-22205089-T-C.
Other names: c.2542A>G, p.Thr848Ala (NM_001291860.2); short protein forms T847A, T848A.
Identifiers: ClinVar variation 2108587 (VCV002108587.4), dbSNP rs2550774532, ClinGen allele CA338964267.

ClinVar aggregate classification (germline): Uncertain significance (1 of 4 stars; one submission).

Allele frequency attached by ClinVar (database versions not stated): gnomAD exomes below 0.00001.
gnomAD v4.1: 2 of 1,614,108 alleles (0.00012%); highest among the groups gnomAD compares: Non-Finnish European, 0.00017%; no homozygotes.

Submission:

Labcorp Genetics (formerly Invitae), Labcorp
Classification: Uncertain significance. Last evaluated: 2022-03-10. Review status: criteria provided, single submitter. Criteria: Invitae Variant Classification Sherloc (09022015). Collection method: clinical testing. Allele origin: germline.
Comment: In summary, the available evidence is currently insufficient to determine the role of this variant in disease. Therefore, it has been classified as a Variant of Uncertain Significance. Algorithms developed to predict the effect of missense changes on protein structure and function (SIFT, PolyPhen-2, Align-GVGD) all suggest that this variant is likely to be tolerated. This variant has not been reported in the literature in individuals affected with HSPG2-related conditions. This variant is not present in population databases (gnomAD no frequency). This sequence change replaces threonine, which is neutral and polar, with alanine, which is neutral and non-polar, at codon 847 of the HSPG2 protein (p.Thr847Ala).